The following is an entry in ClinVar:

NM_016203.4(PRKAG2):c.40G>C (p.Val14Leu)

Gene: PRKAG2 (protein kinase AMP-activated non-catalytic subunit gamma 2; minus strand). Cytogenetic location: 7q36.1.
Variant type: single nucleotide variant.
Coding change: c.40G>C on transcript NM_016203.4 (MANE Select); coding-DNA position 40, G replaced by C.
Protein change: p.Val14Leu; replaces valine 14 with leucine.
Molecular consequence: missense variant.
Genome position (GRCh38, 1-based): chr7:151,876,581, C>G on the plus strand (G>C on the coding strand, the complement: PRKAG2 is on the minus strand). VCF-style: chr7-151876581-C-G. GRCh37 (hg19) VCF-style: chr7-151573666-C-G.
Other names: short protein forms V14L.
Identifiers: ClinVar variation 533878 (VCV000533878.21), dbSNP rs150188173, ClinGen allele CA057020.

ClinVar aggregate classification (germline): Conflicting classifications of pathogenicity. Review status: criteria provided, conflicting classifications (1 of 4 stars). 7 submissions from 7 submitters: Uncertain significance (6); Likely benign (1). Last evaluated 2025-11-21.

Conditions:
Cardiovascular phenotype. Identifiers: MedGen CN230736.
PRKAG2-related disorder. Also called: PRKAG2-related disorders; PRKAG2-related condition.
Lethal congenital glycogen storage disease of heart. Also called: GLYCOGEN STORAGE DISEASE OF HEART; PHOSPHORYLASE KINASE DEFICIENCY OF HEART. Identifiers: Orphanet 439854, MedGen C1849813, MONDO:0009867, OMIM 261740.
Hypertrophic cardiomyopathy. Also called: HYPERTROPHIC MYOCARDIOPATHY. Identifiers: Orphanet 217569, MedGen C0007194, MeSH D002312, MONDO:0005045, HP:0001639.
Cardiomyopathy (CMYO). Also called: Cardiomyopathies. Identifiers: Orphanet 167848, MedGen C0878544, MONDO:0004994, HP:0001638. Inheritance: Various modes of inheritance.

Allele frequency attached by ClinVar (database versions not stated): TOPMed 0.00003; ESP Exome Variant Server 0.00015; gnomAD 0.00001 and 0.00002; ExAC 0.00002; gnomAD exomes 0.00003.
gnomAD v4.1: 21 of 1,610,392 alleles (0.0013%); highest among the groups gnomAD compares: Admixed American, 0.0017%; no homozygotes.

Submissions (7):

PreventionGenetics, part of Exact Sciences
Classification: Uncertain significance for PRKAG2-related condition. Last evaluated: 2025-11-21. Review status: criteria provided, single submitter. Criteria: ACMG Guidelines, 2015. Collection method: clinical testing. Allele origin: germline.
Comment: The PRKAG2 c.40G>C variant is predicted to result in the amino acid substitution p.Val14Leu. To our knowledge, this variant has not been reported in the literature. This variant is reported in 0.0054% of alleles in individuals of European (Non-Finnish) descent in gnomAD. At this time, the clinical significance of this variant is uncertain due to the absence of conclusive functional and genetic evidence.

Color Diagnostics, LLC DBA Color Health
Classification: Uncertain significance for Cardiomyopathy. Last evaluated: 2025-11-10. Review status: criteria provided, single submitter. Criteria: ACMG Guidelines, 2015. Collection method: clinical testing. Allele origin: germline.
Comment: This missense variant replaces valine with leucine at codon 14 of the PRKAG2 protein. Computational prediction suggests that this variant may not impact protein structure and function. To our knowledge, functional studies have not been reported for this variant. This variant has not been reported in individuals affected with PRKAG2-related disorders in the literature. This variant has been identified in 8/280246 chromosomes in the general population by the Genome Aggregation Database (gnomAD). The available evidence is insufficient to determine the role of this variant in disease conclusively. Therefore, this variant is classified as a Variant of Uncertain Significance.

Labcorp Genetics (formerly Invitae), Labcorp
Classification: Uncertain significance for Lethal congenital glycogen storage disease of heart. Last evaluated: 2025-10-19. Review status: criteria provided, single submitter. Criteria: Invitae Variant Classification Sherloc (09022015). Collection method: clinical testing. Allele origin: germline.
Comment: This sequence change replaces valine, which is neutral and non-polar, with leucine, which is neutral and non-polar, at codon 14 of the PRKAG2 protein (p.Val14Leu). This variant is present in population databases (rs150188173, gnomAD 0.006%). This variant has not been reported in the literature in individuals affected with PRKAG2-related conditions. ClinVar contains an entry for this variant (Variation ID: 533878). Invitae Evidence Modeling of protein sequence and biophysical properties (such as structural, functional, and spatial information, amino acid conservation, physicochemical variation, residue mobility, and thermodynamic stability) indicates that this missense variant is not expected to disrupt PRKAG2 protein function with a negative predictive value of 95%. In summary, the available evidence is currently insufficient to determine the role of this variant in disease. Therefore, it has been classified as a Variant of Uncertain Significance.

Molecular Diagnostic Laboratory for Inherited Cardiovascular Disease, Montreal Heart Institute
Classification: Likely benign. Last evaluated: 2025-04-09. Review status: criteria provided, single submitter. Criteria: ACMG Guidelines, 2015. Collection method: clinical testing. Allele origin: germline. Affected: no.
Comment: BS1;BP4;BP5

Ambry Genetics
Classification: Uncertain significance for Cardiovascular phenotype. Last evaluated: 2024-10-27. Review status: criteria provided, single submitter. Criteria: Ambry Variant Classification Scheme 2023. Collection method: clinical testing. Allele origin: germline.
Comment: The p.V14L variant (also known as c.40G>C), located in coding exon 1 of the PRKAG2 gene, results from a G to C substitution at nucleotide position 40. The valine at codon 14 is replaced by leucine, an amino acid with highly similar properties. This amino acid position is well conserved in available vertebrate species. In addition, this alteration is predicted to be tolerated by in silico analysis. Since supporting evidence is limited at this time, the clinical significance of this alteration remains unclear.

All of Us Research Program, National Institutes of Health
Classification: Uncertain significance for Hypertrophic cardiomyopathy. Last evaluated: 2024-06-10. Review status: criteria provided, single submitter. Criteria: ACMG Guidelines, 2015. Collection method: clinical testing. Allele origin: germline. Inheritance: Autosomal dominant inheritance. Observed: 9 variant alleles, 9 heterozygotes.
Comment: This missense variant replaces valine with leucine at codon 14 of the PRKAG2 protein. Computational prediction suggests that this variant may not impact protein structure and function (internally defined REVEL score threshold <= 0.5, PMID: 27666373). To our knowledge, functional studies have not been performed for this variant. This variant has not been reported in individuals affected with cardiovascular disorders in the literature. This variant has been identified in 8/280246 chromosomes in the general population by the Genome Aggregation Database (gnomAD). The available evidence is insufficient to determine the role of this variant in disease conclusively. Therefore, this variant is classified as a Variant of Uncertain Significance.

This study involves interpretation of variants in research participants for the purpose of population health screening. Participant phenotype was not available at the time of variant classification. Additional details can be found in publication PMID: 35346344, PMCID: PMC8962531

GeneDx
Classification: Uncertain significance. Last evaluated: 2024-05-02. Review status: criteria provided, single submitter. Criteria: GeneDx Variant Classification Process June 2021. Collection method: clinical testing. Allele origin: germline. Affected: yes.
Comment: Has not been previously published as pathogenic or benign to our knowledge; In silico analysis indicates that this missense variant does not alter protein structure/function